The following is an entry in ClinVar:

NM_006088.6(TUBB4B):c.104C>T (p.Thr35Ile)

Gene: TUBB4B (tubulin beta 4B class IVb; plus strand). Cytogenetic location: 9q34.3.
Variant type: single nucleotide variant.
Coding change: c.104C>T on transcript NM_006088.6 (MANE Select); coding-DNA position 104, C replaced by T.
Protein change: p.Thr35Ile; replaces threonine 35 with isoleucine.
Molecular consequence: missense variant.
Genome position (GRCh38, 1-based): chr9:137,241,767, C>T. VCF-style: chr9-137241767-C-T. GRCh37 (hg19) VCF-style: chr9-140136219-C-T.
Other names: short protein forms T35I.
Identifiers: ClinVar variation 4977991 (VCV004977991.1).

ClinVar aggregate classification (germline): Uncertain significance (1 of 4 stars; one submission).

Conditions:
TUBB4B-related disorder. Also called: TUBB4B-related condition.

gnomAD v4.1: 5 of 1,612,264 alleles (0.00031%); highest among the groups gnomAD compares: East Asian, 0.0022%; no homozygotes.

Submission:

PreventionGenetics, part of Exact Sciences
Classification: Uncertain significance for TUBB4B-related condition. Last evaluated: 2025-04-05. Review status: criteria provided, single submitter. Criteria: ACMG Guidelines, 2015. Collection method: clinical testing. Allele origin: germline.
Comment: The TUBB4B c.104C>T variant is predicted to result in the amino acid substitution p.Thr35Ile. To our knowledge, this variant has not been reported in the literature. This variant is reported in 0.0054% of alleles in individuals of East Asian descent in gnomAD. At this time, the clinical significance of this variant is uncertain due to the absence of conclusive functional and genetic evidence.